The following is an entry in ClinVar:

ClinVar aggregate classification (germline): Uncertain significance (1 of 4 stars; one submission).

Conditions:
Primary ciliary dyskinesia. Also called: Ciliary dyskinesia. Identifiers: Orphanet 244, MedGen C0008780, MONDO:0016575, HP:0012265.

Submission:

Labcorp Genetics (formerly Invitae), Labcorp
Classification: Uncertain significance for Primary ciliary dyskinesia. Last evaluated: 2022-07-12. Review status: criteria provided, single submitter. Criteria: Invitae Variant Classification Sherloc (09022015). Collection method: clinical testing. Allele origin: germline.
Comment: This variant occurs in a non-coding region of the DNAH11 gene. It does not change the encoded amino acid sequence of the DNAH11 protein. This variant is not present in population databases (gnomAD no frequency). This variant has not been reported in the literature in individuals affected with DNAH11-related conditions. ClinVar contains an entry for this variant (Variation ID: 1044210). Algorithms developed to predict the effect of sequence changes on RNA splicing suggest that this variant may create or strengthen a splice site. In summary, the available evidence is currently insufficient to determine the role of this variant in disease. Therefore, it has been classified as a Variant of Uncertain Significance.

NM_001277115.2(DNAH11):c.13472_*75dup (p.Ile4491_Ter4517=)

Genes: CDCA7L (cell division cycle associated 7 like; minus strand), DNAH11 (dynein axonemal heavy chain 11; plus strand). Cytogenetic location: 7p15.3.
Variant type: Duplication.
Coding change: c.13472_*75dup on transcript NM_001277115.2 (MANE Select); coding-DNA position 13472 through 75 bases downstream of the stop codon, 155 bases duplicated.
Protein change: p.Ile4491_Ter4517=.
Molecular consequence: no sequence alteration. On other transcripts: 3 prime UTR variant (3).
Genome position (GRCh38, 1-based): chr7:21,901,175-21,901,329, 155 bases duplicated. GRCh37 (hg19): chr7:21,940,793-21,940,947.
Other names: c.*993_*1147dup (NM_001127370.3, NM_001127371.3, NM_018719.5).
Identifiers: ClinVar variation 1044210 (VCV001044210.7), dbSNP rs1784806477, ClinGen allele CA1693738464.